The following is an entry in ClinVar:

ClinVar aggregate classification (germline): Uncertain significance (1 of 4 stars; one submission).

Conditions:
Duchenne muscular dystrophy (DMD). Also called: MUSCULAR DYSTROPHY, PSEUDOHYPERTROPHIC PROGRESSIVE, DUCHENNE TYPE; Duchenne Muscular Dystrophy (DMD). Identifiers: Orphanet 98896, MedGen C0013264, MONDO:0010679, OMIM 310200.

Submission:

Labcorp Genetics (formerly Invitae), Labcorp
Classification: Uncertain significance for Duchenne muscular dystrophy. Last evaluated: 2025-10-03. Review status: criteria provided, single submitter. Criteria: Invitae Variant Classification Sherloc (09022015). Collection method: clinical testing. Allele origin: germline.
Comment: This sequence change replaces tryptophan, which is neutral and slightly polar, with leucine, which is neutral and non-polar, at codon 1075 of the DMD protein (p.Trp1075Leu). This variant is not present in population databases (gnomAD no frequency). This variant has not been reported in the literature in individuals affected with DMD-related conditions. Invitae Evidence Modeling of protein sequence and biophysical properties (such as structural, functional, and spatial information, amino acid conservation, physicochemical variation, residue mobility, and thermodynamic stability) indicates that this missense variant is not expected to disrupt DMD protein function with a negative predictive value of 95%. In summary, the available evidence is currently insufficient to determine the role of this variant in disease. Therefore, it has been classified as a Variant of Uncertain Significance.

NM_004006.3(DMD):c.3224G>T (p.Trp1075Leu)

Gene: DMD (dystrophin; minus strand). Cytogenetic location: Xp21.1.
Variant type: single nucleotide variant.
Coding change: c.3224G>T on transcript NM_004006.3 (MANE Select); coding-DNA position 3224, G replaced by T.
Protein change: p.Trp1075Leu; replaces tryptophan 1075 with leucine.
Molecular consequence: missense variant.
Genome position (GRCh38, 1-based): chrX:32,464,638, C>A on the plus strand (G>T on the coding strand, the complement: DMD is on the minus strand). VCF-style: chrX-32464638-C-A. GRCh37 (hg19) VCF-style: chrX-32482755-C-A.
Other names: c.3200G>T, p.Trp1067Leu (NM_000109.4); c.3212G>T, p.Trp1071Leu (NM_004009.3); c.2855G>T, p.Trp952Leu (NM_004010.3); short protein forms W1071L, W1075L, W952L, W1067L.
Identifiers: ClinVar variation 4762445 (VCV004762445.1).